The following is an entry in ClinVar:

ClinVar aggregate classification (germline): Uncertain significance. Review status: criteria provided, multiple submitters, no conflicts (2 of 4 stars). 2 submissions from 2 submitters: Uncertain significance (2). Last evaluated 2026-01-05.

Conditions:
Hereditary nonpolyposis colorectal neoplasms. Identifiers: MedGen C0009405, MeSH D003123.
Hereditary cancer-predisposing syndrome. Also called: Neoplastic Syndromes, Hereditary; Tumor predisposition; Hereditary Cancer Syndrome; Hereditary neoplastic syndrome. Identifiers: Orphanet 140162, MedGen C0027672, MeSH D009386, MONDO:0015356.

Submissions (2):

Labcorp Genetics (formerly Invitae), Labcorp
Classification: Uncertain significance for Hereditary nonpolyposis colorectal neoplasms. Last evaluated: 2026-01-05. Review status: criteria provided, single submitter. Criteria: Invitae Variant Classification Sherloc (09022015). Collection method: clinical testing. Allele origin: germline.
Comment: This sequence change replaces asparagine, which is neutral and polar, with lysine, which is basic and polar, at codon 345 of the MSH6 protein (p.Asn345Lys). This variant is not present in population databases (gnomAD no frequency). This variant has not been reported in the literature in individuals affected with MSH6-related conditions. ClinVar contains an entry for this variant (Variation ID: 525794). Invitae Evidence Modeling incorporating data from in vitro experimental studies (internal data) indicates that this missense variant is not expected to disrupt MSH6 function with a negative predictive value of 95%. RNA analysis performed to evaluate the impact of this missense change on mRNA splicing indicates it does not significantly alter splicing (internal data). In summary, the available evidence is currently insufficient to determine the role of this variant in disease. Therefore, it has been classified as a Variant of Uncertain Significance.

Ambry Genetics
Classification: Uncertain significance for Hereditary cancer-predisposing syndrome. Last evaluated: 2024-02-20. Review status: criteria provided, single submitter. Criteria: Ambry Variant Classification Scheme 2023. Collection method: clinical testing. Allele origin: germline.
Comment: The p.N345K variant (also known as c.1035T>G), located in coding exon 4 of the MSH6 gene, results from a T to G substitution at nucleotide position 1035. The asparagine at codon 345 is replaced by lysine, an amino acid with similar properties. This amino acid position is conserved. In addition, this alteration is predicted to be tolerated by in silico analysis. Based on the available evidence, the clinical significance of this alteration remains unclear.

NM_000179.3(MSH6):c.1035T>G (p.Asn345Lys)

Gene: MSH6 (mutS homolog 6; plus strand). Cytogenetic location: 2p16.3.
Variant type: single nucleotide variant.
Coding change: c.1035T>G on transcript NM_000179.3 (MANE Select); coding-DNA position 1035, T replaced by G.
Protein change: p.Asn345Lys; replaces asparagine 345 with lysine.
Molecular consequence: missense variant.
Genome position (GRCh38, 1-based): chr2:47,799,018, T>G. VCF-style: chr2-47799018-T-G. GRCh37 (hg19) VCF-style: chr2-48026157-T-G.
Other names: c.645T>G, p.Asn215Lys (NM_001281492.2); c.129T>G, p.Asn43Lys (NM_001281493.2, NM_001281494.2); short protein forms N345K, N215K, N43K.
Identifiers: ClinVar variation 525794 (VCV000525794.10), dbSNP rs765166082, ClinGen allele CA346741429.